The following is an entry in ClinVar:

NM_133261.3(GIPC3):c.192G>A (p.Lys64=)

Gene: GIPC3 (GIPC PDZ domain containing family member 3; plus strand). Cytogenetic location: 19p13.3.
Variant type: single nucleotide variant.
Coding change: c.192G>A on transcript NM_133261.3 (MANE Select); coding-DNA position 192, G replaced by A.
Protein change: p.Lys64=; no amino-acid change (lysine 64 retained).
Molecular consequence: synonymous variant.
Genome position (GRCh38, 1-based): chr19:3,585,789, G>A. VCF-style: chr19-3585789-G-A. GRCh37 (hg19) VCF-style: chr19-3585787-G-A.
Identifiers: ClinVar variation 227378 (VCV000227378.5), dbSNP rs876657466, ClinGen allele CA10577096.

ClinVar aggregate classification (germline): Likely benign (1 of 4 stars; one submission).

Allele frequency attached by ClinVar (database versions not stated): TOPMed below 0.00001; gnomAD 0.00001; gnomAD exomes 0.00001.
gnomAD v4.1: 10 of 1,547,958 alleles (0.00065%); highest among the groups gnomAD compares: Non-Finnish European, 0.00087%; no homozygotes.

Submission:

Laboratory for Molecular Medicine, Mass General Brigham Personalized Medicine
Classification: Likely benign. Last evaluated: 2015-09-30. Review status: criteria provided, single submitter. Criteria: LMM Criteria. Collection method: clinical testing. Allele origin: germline. Observed: 1 variant allele.
Comment: p.Lys64Lys in exon 1 of GIPC3: This variant is not expected to have clinical sig nificance because it does not alter an amino acid residue and is not located wit hin the splice consensus sequence.